The following is an entry in ClinVar:

ClinVar aggregate classification (germline): Pathogenic (1 of 4 stars; one submission).

Conditions:
Multiple endocrine neoplasia, type 1 (MEN1). Also called: Endocrine adenomatosis multiple; MEN 1; MEA I; MEN I; WERMER SYNDROME. Identifiers: Orphanet 652, MedGen C0025267, MeSH D018761, MONDO:0007540, OMIM 131100.

Submission:

Labcorp Genetics (formerly Invitae), Labcorp
Classification: Pathogenic for Multiple endocrine neoplasia, type 1. Last evaluated: 2025-07-06. Review status: criteria provided, single submitter. Criteria: Invitae Variant Classification Sherloc (09022015). Collection method: clinical testing. Allele origin: germline.
Comment: This sequence change falls in intron 2 of the MEN1 gene. It does not directly change the encoded amino acid sequence of the MEN1 protein. It affects a nucleotide within the consensus splice site. This variant is not present in population databases (gnomAD no frequency). This variant has been observed in individual(s) with multiple endocrine neoplasia type 1 (PMID: 10931102, 28693130). It has also been observed to segregate with disease in related individuals. This variant is also known as IVS2-3C>G. ClinVar contains an entry for this variant (Variation ID: 2735661). Variants that disrupt the consensus splice site are a relatively common cause of aberrant splicing (PMID: 17576681, 9536098). Algorithms developed to predict the effect of sequence changes on RNA splicing suggest that this variant may disrupt the consensus splice site. For these reasons, this variant has been classified as Pathogenic.

Literature cited by the submitters: PubMed 10931102; PubMed 28693130; PubMed 17576681; PubMed 9536098.

NM_001370259.2(MEN1):c.446-3C>G

Gene: MEN1 (menin 1; minus strand). Cytogenetic location: 11q13.1.
Variant type: single nucleotide variant.
Coding change: c.446-3C>G on transcript NM_001370259.2 (MANE Select); 3 bases into the intron before coding-DNA position 446, C replaced by G.
Molecular consequence: intron variant.
Genome position (GRCh38, 1-based): chr11:64,808,102, G>C on the plus strand (C>G on the coding strand, the complement: MEN1 is on the minus strand). VCF-style: chr11-64808102-G-C. GRCh37 (hg19) VCF-style: chr11-64575574-G-C.
Other names: c.461-3C>G (NM_000244.4, NM_130801.3, NM_130800.3 and 5 more transcripts); c.446-3C>G (NM_001407149.1, NM_001407151.1, NM_001370260.2 and 12 more transcripts).
Identifiers: ClinVar variation 2735661 (VCV002735661.3), dbSNP rs377461506, ClinGen allele CA913189093.